The following is an entry in ClinVar:

ClinVar aggregate classification (germline): Pathogenic (1 of 4 stars; one submission).

Conditions:
Kabuki syndrome. Also called: NIIKAWA-KUROKI SYNDROME; Kabuki make-up syndrome. Identifiers: Orphanet 2322, MedGen C0796004, MONDO:0016512.

Submission:

Labcorp Genetics (formerly Invitae), Labcorp
Classification: Pathogenic for Kabuki syndrome. Last evaluated: 2019-06-05. Review status: criteria provided, single submitter. Criteria: Invitae Variant Classification Sherloc (09022015). Collection method: clinical testing. Allele origin: germline.
Comment: For these reasons, this variant has been classified as Pathogenic. Loss-of-function variants in KMT2D are known to be pathogenic (PMID: 22126750). This variant has not been reported in the literature in individuals with KMT2D-related conditions. This sequence change creates a premature translational stop signal (p.Ala254Profs*7) in the KMT2D gene. It is expected to result in an absent or disrupted protein product. This variant is not present in population databases (ExAC no frequency).

Literature cited by the submitters: PubMed 22126750.

NM_003482.4(KMT2D):c.760del (p.Ala254fs)

Gene: KMT2D (lysine methyltransferase 2D; minus strand). Cytogenetic location: 12q13.12.
Variant type: Deletion.
Coding change: c.760del on transcript NM_003482.4 (MANE Select); coding-DNA position 760, one base deleted (G; older notation c.760delG).
Protein change: p.Ala254fs; shifts the reading frame from alanine 254.
Molecular consequence: frameshift variant.
Genome position (GRCh38, 1-based): chr12:49,053,555, C deleted on the plus strand (G on the coding strand, the reverse complement: KMT2D is on the minus strand); the first of 4 consecutive C bases (chr12:49,053,555-49,053,558); deleting any one gives the same sequence. VCF-style (leftmost placement, unchanged base first): chr12-49053554-GC-G. GRCh37 (hg19) VCF-style: chr12-49447337-GC-G.
Other names: short protein forms A254fs.
Identifiers: ClinVar variation 952805 (VCV000952805.7), dbSNP rs1938216114, ClinGen allele CA1139662626.